The following is an entry in ClinVar:

NM_000161.3(GCH1):c.453+1G>A

Gene: GCH1 (GTP cyclohydrolase 1; minus strand). Cytogenetic location: 14q22.2.
Variant type: single nucleotide variant.
Coding change: c.453+1G>A on transcript NM_000161.3 (MANE Select); the canonical splice donor site of the intron after coding-DNA position 453, G replaced by A.
Molecular consequence: splice donor variant.
Genome position (GRCh38, 1-based): chr14:54,865,326, C>T on the plus strand (G>A on the coding strand, the complement: GCH1 is on the minus strand). VCF-style: chr14-54865326-C-T. GRCh37 (hg19) VCF-style: chr14-55332044-C-T.
Other names: c.453+1G>A (NM_001424104.1, NM_001024071.2, NM_001024070.2 and 1 more transcripts); c.159+1G>A (NM_001424105.1).
Identifiers: ClinVar variation 2925519 (VCV002925519.3), dbSNP rs2140073990, ClinGen allele CA389789902.

ClinVar aggregate classification (germline): Pathogenic (1 of 4 stars; one submission).

Conditions:
Dystonia 5 (DRD). Also called: DYSTONIA, PROGRESSIVE, WITH DIURNAL VARIATION; DYSTONIA-PARKINSONISM WITH DIURNAL FLUCTUATION; GTP Cyclohydrolase 1-Deficient Dopa-Responsive Dystonia; Dystonia, DOPA-responsive, with or without hyperphenylalaninemia; DYT-GCH1. Identifiers: Orphanet 98808, MedGen C1851920, MONDO:0007495, OMIM 128230.
GTP cyclohydrolase I deficiency. Identifiers: MedGen C0268467, MONDO:0100184.

Submission:

Labcorp Genetics (formerly Invitae), Labcorp
Classification: Pathogenic for GTP cyclohydrolase I deficiency; Dystonia 5. Last evaluated: 2023-11-04. Review status: criteria provided, single submitter. Criteria: Invitae Variant Classification Sherloc (09022015). Collection method: clinical testing. Allele origin: germline.
Comment: This sequence change affects a donor splice site in intron 2 of the GCH1 gene. It is expected to disrupt RNA splicing. Variants that disrupt the donor or acceptor splice site typically lead to a loss of protein function (PMID: 16199547), and loss-of-function variants in GCH1 are known to be pathogenic (PMID: 9667588, 19332422, 19491146, 25557619). This variant is not present in population databases (gnomAD no frequency). Disruption of this splice site has been observed in individuals with dopa-responsive dystonia (PMID: 7544125, 17898029, 19491146). Algorithms developed to predict the effect of sequence changes on RNA splicing suggest that this variant may disrupt the consensus splice site. For these reasons, this variant has been classified as Pathogenic.

Literature cited by the submitters: PubMed 16199547; PubMed 9667588; PubMed 19332422; PubMed 19491146; PubMed 25557619; PubMed 7544125; PubMed 17898029.